The following is an entry in ClinVar:

ClinVar aggregate classification (germline): Uncertain significance (1 of 4 stars; one submission).

Submission:

Labcorp Genetics (formerly Invitae), Labcorp
Classification: Uncertain significance. Last evaluated: 2024-11-17. Review status: criteria provided, single submitter. Criteria: Invitae Variant Classification Sherloc (09022015). Collection method: clinical testing. Allele origin: germline.
Comment: This sequence change replaces glycine, which is neutral and non-polar, with glutamic acid, which is acidic and polar, at codon 530 of the COL4A2 protein (p.Gly530Glu). This variant is not present in population databases (gnomAD no frequency). This variant has not been reported in the literature in individuals affected with COL4A2-related conditions. Invitae Evidence Modeling of protein sequence and biophysical properties (such as structural, functional, and spatial information, amino acid conservation, physicochemical variation, residue mobility, and thermodynamic stability) has been performed for this missense variant. However, the output from this modeling did not meet the statistical confidence thresholds required to predict the impact of this variant on COL4A2 protein function. In summary, the available evidence is currently insufficient to determine the role of this variant in disease. Therefore, it has been classified as a Variant of Uncertain Significance.

NM_001846.4(COL4A2):c.1589G>A (p.Gly530Glu)

Genes: COL4A2 (collagen type IV alpha 2 chain; plus strand), COL4A2-AS2 (COL4A2 antisense RNA 2; minus strand). Cytogenetic location: 13q34.
Variant type: single nucleotide variant.
Coding change: c.1589G>A on transcript NM_001846.4 (MANE Select); coding-DNA position 1589, G replaced by A.
Protein change: p.Gly530Glu; replaces glycine 530 with glutamic acid.
Molecular consequence: missense variant.
Genome position (GRCh38, 1-based): chr13:110,458,927, G>A. VCF-style: chr13-110458927-G-A. GRCh37 (hg19) VCF-style: chr13-111111274-G-A.
Other names: short protein forms G530E.
Identifiers: ClinVar variation 3718129 (VCV003718129.2).